The following is an entry in ClinVar:

ClinVar aggregate classification (germline): Uncertain significance (1 of 4 stars; one submission).

Conditions:
Myofibrillar myopathy 5. Also called: Filaminopathy (type); FILAMINOPATHY, AUTOSOMAL DOMINANT. Identifiers: Orphanet 171445, MedGen C1836050, MONDO:0012289, OMIM 609524.
Distal myopathy with posterior leg and anterior hand involvement. Also called: WILLIAMS DISTAL MYOPATHY. Identifiers: Orphanet 63273, MedGen C3279722, MONDO:0013550, OMIM 614065.
Hypertrophic cardiomyopathy 26. Also called: Cardiomyopathy, familial hypertrophic, 26. Identifiers: Orphanet 75249, MedGen C4310749, MONDO:0014883, OMIM 617047.

Allele frequency attached by ClinVar (database versions not stated): gnomAD exomes below 0.00001.
gnomAD v4.1: 1 of 1,613,782 alleles (0.000062%); highest among the groups gnomAD compares: Non-Finnish European, 0.000085%; no homozygotes.

Submission:

Labcorp Genetics (formerly Invitae), Labcorp
Classification: Uncertain significance for Distal myopathy with posterior leg and anterior hand involvement; Myofibrillar myopathy 5; Hypertrophic cardiomyopathy 26. Last evaluated: 2022-09-19. Review status: criteria provided, single submitter. Criteria: Invitae Variant Classification Sherloc (09022015). Collection method: clinical testing. Allele origin: germline.
Comment: In summary, the available evidence is currently insufficient to determine the role of this variant in disease. Therefore, it has been classified as a Variant of Uncertain Significance. Advanced modeling of protein sequence and biophysical properties (such as structural, functional, and spatial information, amino acid conservation, physicochemical variation, residue mobility, and thermodynamic stability) performed at Invitae indicates that this missense variant is not expected to disrupt FLNC protein function. ClinVar contains an entry for this variant (Variation ID: 862633). This variant has not been reported in the literature in individuals affected with FLNC-related conditions. This variant is not present in population databases (gnomAD no frequency). This sequence change replaces isoleucine, which is neutral and non-polar, with leucine, which is neutral and non-polar, at codon 2705 of the FLNC protein (p.Ile2705Leu).

NM_001458.5(FLNC):c.8113A>C (p.Ile2705Leu)

Genes: FLNC-AS1 (FLNC antisense RNA 1; minus strand), FLNC (filamin C; plus strand). Cytogenetic location: 7q32.1.
Variant type: single nucleotide variant.
Coding change: c.8113A>C on transcript NM_001458.5 (MANE Select); coding-DNA position 8113, A replaced by C.
Protein change: p.Ile2705Leu; replaces isoleucine 2705 with leucine.
Molecular consequence: missense variant.
Genome position (GRCh38, 1-based): chr7:128,858,458, A>C. VCF-style: chr7-128858458-A-C. GRCh37 (hg19) VCF-style: chr7-128498512-A-C.
Other names: c.8014A>C, p.Ile2672Leu (NM_001127487.2); short protein forms I2705L, I2672L.
Identifiers: ClinVar variation 862633 (VCV000862633.10), dbSNP rs1809164468, ClinGen allele CA369221874.
Genomic context (GRCh38, chr7:128,858,458, plus strand): 5'-AAGCACATGGGGAACCGGGTGTACAATGTCACCTACACTGTCAAGGAGAAAGGGGACTAC[A>C]TCCTCATTGTCAAGTGGGGTGACGAAAGTGTCCCTGGAAGCCCCTTCAAAGTCAAGGTCC-3'
Protein context (NP_001449.3, residues 2695-2715): TYTVKEKGDY[Ile2705Leu]LIVKWGDESV